The following is an entry in ClinVar:

NM_020134.4(DPYSL5):c.335C>T (p.Ala112Val)

Gene: DPYSL5 (dihydropyrimidinase like 5; plus strand). Cytogenetic location: 2p23.3.
Variant type: single nucleotide variant.
Coding change: c.335C>T on transcript NM_020134.4 (MANE Select); coding-DNA position 335, C replaced by T.
Protein change: p.Ala112Val; replaces alanine 112 with valine.
Molecular consequence: missense variant.
Genome position (GRCh38, 1-based): chr2:26,924,960, C>T. VCF-style: chr2-26924960-C-T. GRCh37 (hg19) VCF-style: chr2-27147828-C-T.
Other names: c.335C>T, p.Ala112Val (NM_001253723.2, NM_001253724.2); short protein forms A112V.
Identifiers: ClinVar variation 3901969 (VCV003901969.1).

ClinVar aggregate classification (germline): Uncertain significance (1 of 4 stars; one submission).

Conditions:
Ritscher-Schinzel syndrome 4. Identifiers: MedGen C5561939, MONDO:0030331, OMIM 619435.

Submission:

Laboratorio de Genetica e Diagnostico Molecular, Hospital Israelita Albert Einstein
Classification: Uncertain significance for Ritscher-Schinzel syndrome 4. Last evaluated: 2024-07-03. Review status: criteria provided, single submitter. Criteria: ACMG Guidelines, 2015. Collection method: clinical testing. Allele origin: germline. Affected: yes.
Comment: ACMG classification criteria: PM2 supporting, PP3 supporting